The following is an entry in ClinVar:

NM_005787.6(ALG3):c.457G>A (p.Val153Ile)

Gene: ALG3 (ALG3 alpha-1,3- mannosyltransferase; minus strand). Cytogenetic location: 3q27.1.
Variant type: single nucleotide variant.
Coding change: c.457G>A on transcript NM_005787.6 (MANE Select); coding-DNA position 457, G replaced by A.
Protein change: p.Val153Ile; replaces valine 153 with isoleucine.
Molecular consequence: missense variant. On other transcripts: non-coding transcript variant (2).
Genome position (GRCh38, 1-based): chr3:184,245,346, C>T on the plus strand (G>A on the coding strand, the complement: ALG3 is on the minus strand). VCF-style: chr3-184245346-C-T. GRCh37 (hg19) VCF-style: chr3-183963134-C-T.
Other names: c.457G>A (NM_005787.5); c.313G>A, p.Val105Ile (NM_001006941.2); c.352G>A, p.Val118Ile (NM_001006942.1); short protein forms V153I, V118I, V105I.
Identifiers: ClinVar variation 2052594 (VCV002052594.2), dbSNP rs200285629, ClinGen allele CA2729527.

ClinVar aggregate classification (germline): Uncertain significance. Review status: criteria provided, single submitter (1 of 4 stars). 2 submissions from 2 submitters: Uncertain significance (1). 1 of the submissions does not count toward it. Last evaluated 2022-08-03.

Conditions:
ALG3-related disorder. Also called: ALG3-related condition.
ALG3-congenital disorder of glycosylation. Also called: CARBOHYDRATE-DEFICIENT GLYCOPROTEIN SYNDROME, TYPE IV; CDGS, TYPE IV; CONGENITAL DISORDER OF GLYCOSYLATION, TYPE Id; ALG3-CDG; CDG Id. Identifiers: Orphanet 79321, MedGen C1832736, MONDO:0010998, OMIM 601110.

Allele frequency attached by ClinVar (database versions not stated): gnomAD 0.00007; TOPMed 0.00008; gnomAD exomes 0.00015; ESP Exome Variant Server 0.00016; ExAC 0.00017.

Submissions (2):

Labcorp Genetics (formerly Invitae), Labcorp
Classification: Uncertain significance for ALG3-congenital disorder of glycosylation. Last evaluated: 2022-08-03. Review status: criteria provided, single submitter. Criteria: Invitae Variant Classification Sherloc (09022015). Collection method: clinical testing. Allele origin: germline.
Comment: This sequence change replaces valine, which is neutral and non-polar, with isoleucine, which is neutral and non-polar, at codon 153 of the ALG3 protein (p.Val153Ile). This variant is present in population databases (rs200285629, gnomAD 0.03%). This variant has not been reported in the literature in individuals affected with ALG3-related conditions. Algorithms developed to predict the effect of missense changes on protein structure and function are either unavailable or do not agree on the potential impact of this missense change (SIFT: "Tolerated"; PolyPhen-2: "Probably Damaging"; Align-GVGD: "Class C0"). In summary, the available evidence is currently insufficient to determine the role of this variant in disease. Therefore, it has been classified as a Variant of Uncertain Significance.

PreventionGenetics, part of Exact Sciences
Classification: Uncertain significance for ALG3-related condition. Last evaluated: 2024-03-11. Review status: no assertion criteria provided. Collection method: clinical testing. Allele origin: germline. Not counted in ClinVar's aggregate classification.
Comment: The ALG3 c.457G>A variant is predicted to result in the amino acid substitution p.Val153Ile. To our knowledge, this variant has not been reported in the literature. This variant is reported in 0.032% of alleles in individuals of Latino descent in gnomAD. At this time, the clinical significance of this variant is uncertain due to the absence of conclusive functional and genetic evidence.